The following is an entry in ClinVar:

NM_033159.4(HYAL1):c.787C>T (p.Gln263Ter)

Gene: HYAL1 (hyaluronidase 1; minus strand). Cytogenetic location: 3p21.31.
Variant type: single nucleotide variant.
Coding change: c.787C>T on transcript NM_033159.4 (MANE Select); coding-DNA position 787, C replaced by T.
Protein change: p.Gln263Ter; replaces glutamine 263 with a stop codon.
Molecular consequence: nonsense. On other transcripts: non-coding transcript variant (1).
Genome position (GRCh38, 1-based): chr3:50,302,170, G>A on the plus strand (C>T on the coding strand, the complement: HYAL1 is on the minus strand). VCF-style: chr3-50302170-G-A. GRCh37 (hg19) VCF-style: chr3-50339601-G-A.
Other names: c.787C>T, p.Gln263Ter (NM_153281.2, NM_153282.3); c.241C>T, p.Gln81Ter (NM_153283.3); c.10C>T, p.Gln4Ter (NM_153285.3); short protein forms Q263*, Q4*, Q81*.
Identifiers: ClinVar variation 1073037 (VCV001073037.5), dbSNP rs782240278, ClinGen allele CA2415871.

ClinVar aggregate classification (germline): Pathogenic (1 of 4 stars; one submission).

Conditions:
Deficiency of hyaluronoglucosaminidase (MPS9). Also called: HYALURONIDASE DEFICIENCY; MPS IX; Mucopolysaccharidosis type 9. Identifiers: Orphanet 67041, MedGen C1291490, MONDO:0011093, OMIM 601492.

Allele frequency attached by ClinVar (database versions not stated): gnomAD 0.00001; gnomAD exomes 0.00001 and 0.00002; ExAC 0.00005.

Submission:

Labcorp Genetics (formerly Invitae), Labcorp
Classification: Pathogenic for Deficiency of hyaluronoglucosaminidase. Last evaluated: 2022-07-05. Review status: criteria provided, single submitter. Criteria: Invitae Variant Classification Sherloc (09022015). Collection method: clinical testing. Allele origin: germline.
Comment: For these reasons, this variant has been classified as Pathogenic. ClinVar contains an entry for this variant (Variation ID: 1073037). This variant has not been reported in the literature in individuals affected with HYAL1-related conditions. This variant is present in population databases (rs782240278, gnomAD 0.005%). This sequence change creates a premature translational stop signal (p.Gln263*) in the HYAL1 gene. It is expected to result in an absent or disrupted protein product. Loss-of-function variants in HYAL1 are known to be pathogenic (PMID: 10339581, 21559944).

Literature cited by the submitters: PubMed 10339581; PubMed 21559944.